The following is an entry in ClinVar:

NM_000135.4(FANCA):c.1420T>C (p.Phe474Leu)

Gene: FANCA (FA complementation group A; minus strand). Cytogenetic location: 16q24.3.
Variant type: single nucleotide variant.
Coding change: c.1420T>C on transcript NM_000135.4 (MANE Select); coding-DNA position 1420, T replaced by C.
Protein change: p.Phe474Leu; replaces phenylalanine 474 with leucine.
Molecular consequence: missense variant.
Genome position (GRCh38, 1-based): chr16:89,784,904, A>G on the plus strand (T>C on the coding strand, the complement: FANCA is on the minus strand). VCF-style: chr16-89784904-A-G. GRCh37 (hg19) VCF-style: chr16-89851312-A-G.
Other names: c.1420T>C, p.Phe474Leu (NM_001286167.3); short protein forms F474L.
Identifiers: ClinVar variation 4532858 (VCV004532858.1).

ClinVar aggregate classification (germline): Uncertain significance (1 of 4 stars; one submission).

Submission:

Quest Diagnostics Nichols Institute San Juan Capistrano
Classification: Uncertain significance. Last evaluated: 2025-05-15. Review status: criteria provided, single submitter. Criteria: Quest Diagnostics criteria. Collection method: clinical testing. Allele origin: unknown.
Comment: The FANCA c.1420T>C (p.Phe474Leu) variant has not been reported in individuals with FANCA-related conditions in the published literature. It also has not been reported in large, multi-ethnic general populations (Genome Aggregation Database). Analysis of this variant using bioinformatics tools for the prediction of the effect of amino acid changes on protein structure and function yielded predictions that this variant is benign. Based on the available information, we are unable to determine the clinical significance of this variant.